The following is an entry in ClinVar:

ClinVar aggregate classification (germline): Likely pathogenic (1 of 4 stars; one submission).

Conditions:
Inflammatory skin and bowel disease, neonatal, 1. Identifiers: Orphanet 294023, MedGen C3280501, MONDO:0013693, OMIM 614328.

gnomAD v4.1: 11 of 1,613,736 alleles (0.00068%); highest among the groups gnomAD compares: Non-Finnish European, 0.00093%; no homozygotes.

Submission:

3billion
Classification: Likely pathogenic for Inflammatory skin and bowel disease, neonatal, 1. Last evaluated: 2024-08-22. Review status: criteria provided, single submitter. Criteria: ACMG Guidelines, 2015. Collection method: clinical testing. Allele origin: germline. Affected: yes.
Comment: The variant is observed at an extremely low frequency in the gnomAD v4.0.0 dataset (total allele frequency: <0.001%). Predicted Consequence/Location: Stop-gained (nonsense): predicted to result in a loss or disruption of normal protein function through nonsense-mediated decay (NMD) or protein truncation. A pathogenic variant is reported downstream of the variant. Therefore, this variant is classified as Likely pathogenic according to the recommendation of ACMG/AMP guideline.

NM_003183.6(ADAM17):c.1930C>T (p.Arg644Ter)

Genes: ADAM17 (ADAM metallopeptidase domain 17; minus strand), IAH1 (isoamyl acetate hydrolyzing esterase 1 (putative); plus strand). Cytogenetic location: 2p25.1.
Variant type: single nucleotide variant.
Coding change: c.1930C>T on transcript NM_003183.6 (MANE Select); coding-DNA position 1930, C replaced by T.
Protein change: p.Arg644Ter; replaces arginine 644 with a stop codon.
Molecular consequence: nonsense.
Genome position (GRCh38, 1-based): chr2:9,493,810, G>A on the plus strand (C>T on the coding strand, the complement: ADAM17 is on the minus strand). VCF-style: chr2-9493810-G-A. GRCh37 (hg19) VCF-style: chr2-9633939-G-A.
Other names: c.1270C>T, p.Arg424Ter (NM_001382777.1); c.1033C>T, p.Arg345Ter (NM_001382778.1); short protein forms R345*, R424*, R644*.
Identifiers: ClinVar variation 4291994 (VCV004291994.1).